The following is an entry in ClinVar:

NM_021930.6(RINT1):c.2004C>G (p.Phe668Leu)

Genes: EFCAB10 (EF-hand calcium binding domain 10; minus strand), RINT1 (RAD50 interactor 1; plus strand). Cytogenetic location: 7q22.3.
Variant type: single nucleotide variant.
Coding change: c.2004C>G on transcript NM_021930.6 (MANE Select); coding-DNA position 2004, C replaced by G.
Protein change: p.Phe668Leu; replaces phenylalanine 668 with leucine.
Molecular consequence: missense variant. On other transcripts: non-coding transcript variant (1), 3 prime UTR variant (3).
Genome position (GRCh38, 1-based): chr7:105,565,394, C>G. VCF-style: chr7-105565394-C-G. GRCh37 (hg19) VCF-style: chr7-105205841-C-G.
Other names: c.981C>G, p.Phe327Leu (NM_001346603.2, NM_001346600.2); c.*53G>C (NM_001355526.2); c.*155G>C (NM_001355530.2); c.*8G>C (NM_001355531.2); c.1770C>G, p.Phe590Leu (NM_001346599.2); c.1080C>G, p.Phe360Leu (NM_001346601.2); short protein forms F327L, F360L, F668L, F590L.
Identifiers: ClinVar variation 1784294 (VCV001784294.3), dbSNP rs1285881734, ClinGen allele CA368814876.

ClinVar aggregate classification (germline): Uncertain significance (1 of 4 stars; one submission).

Submission:

Ambry Genetics
Classification: Uncertain significance. Last evaluated: 2025-08-30. Review status: criteria provided, single submitter. Criteria: Ambry Variant Classification Scheme 2023. Collection method: clinical testing. Allele origin: germline.
Comment: The p.F668L variant (also known as c.2004C>G), located in coding exon 13 of the RINT1 gene, results from a C to G substitution at nucleotide position 2004. The phenylalanine at codon 668 is replaced by leucine, an amino acid with highly similar properties. This amino acid position is conserved. In addition, this alteration is predicted to be tolerated by in silico analysis. Since supporting evidence is limited at this time, the clinical significance of this alteration remains unclear.